The following is an entry in ClinVar:

ClinVar aggregate classification (germline): Benign/Likely benign. Review status: criteria provided, multiple submitters, no conflicts (2 of 4 stars). 11 submissions from 11 submitters: Benign (5); Likely benign (3). 3 of the submissions do not count toward it. Last evaluated 2026-03-01.

Conditions:
Familial infantile myasthenia (CMS6). Also called: MYASTHENIC SYNDROME, PRESYNAPTIC, CONGENITAL, ASSOCIATED WITH EPISODIC APNEA; MYASTHENIC SYNDROME, CONGENITAL, 6, PRESYNAPTIC; Congenital myasthenic syndrome type 6. Identifiers: Orphanet 590, MedGen C0393929, MONDO:0009689, OMIM 254210.

Allele frequency attached by ClinVar (database versions not stated): 1000 Genomes Project 0.00599; 1000 Genomes Project 30x 0.00609; ExAC 0.00745; gnomAD exomes 0.00750; ESP Exome Variant Server 0.00753; TOPMed 0.00802; gnomAD 0.00810 and 0.00825.
gnomAD v4.1: 15,499 of 1,614,060 alleles (0.96%); highest among the groups gnomAD compares: Admixed American, 1.2%; 87 homozygotes.

Submissions (11):

CeGaT Center for Human Genetics Tuebingen
Classification: Benign. Last evaluated: 2026-03-01. Review status: criteria provided, single submitter. Criteria: CeGaT Center For Human Genetics Tuebingen Variant Classification Criteria Version 2. Collection method: clinical testing. Allele origin: germline. Affected: yes. Observed: 4 variant alleles.
Comment: CHAT: BS1, BS2

Labcorp Genetics (formerly Invitae), Labcorp
Classification: Benign for Familial infantile myasthenia. Last evaluated: 2026-02-04. Review status: criteria provided, single submitter. Criteria: Invitae Variant Classification Sherloc (09022015). Collection method: clinical testing. Allele origin: germline.

Blueprint Genetics
Classification: Likely benign. Last evaluated: 2024-11-27. Review status: criteria provided, single submitter. Criteria: ACMG Guidelines, 2015. Collection method: clinical testing. Allele origin: germline.

Mayo Clinic Laboratories, Mayo Clinic
Classification: Benign. Last evaluated: 2019-10-28. Review status: criteria provided, single submitter. Criteria: ACMG Guidelines, 2015. Collection method: clinical testing. Allele origin: germline. Observed: 19 variant alleles.

GeneDx
Classification: Benign. Last evaluated: 2016-06-16. Review status: criteria provided, single submitter. Criteria: GeneDx Variant Classification (06012015). Collection method: clinical testing. Allele origin: germline. Affected: yes.
Comment: This variant is considered likely benign or benign based on one or more of the following criteria: it is a conservative change, it occurs at a poorly conserved position in the protein, it is predicted to be benign by multiple in silico algorithms, and/or has population frequency not consistent with disease.

Center for Pediatric Genomic Medicine, Children's Mercy Hospital and Clinics
Classification: Likely benign. Last evaluated: 2016-05-03. Review status: criteria provided, single submitter. Criteria: ACMG Guidelines, 2015. Collection method: clinical testing. Allele origin: germline.
ClinVar note: Converted during submission from Likely Benign to Likely benign.

Breakthrough Genomics
Classification: Likely benign. Review status: criteria provided, single submitter. Criteria: ACMG Guidelines, 2015. Collection method: not provided. Allele origin: germline. Inheritance: Autosomal recessive inheritance. Affected: yes.

PreventionGenetics, part of Exact Sciences
Classification: Benign. Review status: criteria provided, single submitter. Criteria: ACMG Guidelines, 2015. Collection method: clinical testing. Allele origin: germline.

Genetic Services Laboratory, University of Chicago
Classification: Likely benign for AllHighlyPenetrant. Review status: no assertion criteria provided. Collection method: clinical testing. Allele origin: germline. Inheritance: Autosomal recessive inheritance. Not counted in ClinVar's aggregate classification.
Comment: Likely benign based on allele frequency in 1000 Genomes Project or ESP global frequency and its presence in a patient with a rare or unrelated disease phenotype. NOT Sanger confirmed.

Genome Diagnostics Laboratory, University Medical Center Utrecht
Classification: Likely benign. Review status: no assertion criteria provided. Collection method: clinical testing. Allele origin: germline. Affected: yes. Study: VKGL Data-share Consensus. Not counted in ClinVar's aggregate classification.

Laboratory of Diagnostic Genome Analysis, Leiden University Medical Center (LUMC)
Classification: Likely benign. Review status: no assertion criteria provided. Collection method: clinical testing. Allele origin: germline. Affected: yes. Study: VKGL Data-share Consensus. Not counted in ClinVar's aggregate classification.

NM_020549.5(CHAT):c.1682G>A (p.Arg561Gln)

Gene: CHAT (choline O-acetyltransferase; plus strand). Cytogenetic location: 10q11.23.
Variant type: single nucleotide variant.
Coding change: c.1682G>A on transcript NM_020549.5 (MANE Select); coding-DNA position 1682, G replaced by A.
Protein change: p.Arg561Gln; replaces arginine 561 with glutamine.
Molecular consequence: missense variant.
Genome position (GRCh38, 1-based): chr10:49,655,142, G>A. VCF-style: chr10-49655142-G-A. GRCh37 (hg19) VCF-style: chr10-50863188-G-A.
Other names: p.Arg561Gln; c.1328G>A, p.Arg443Gln (NM_001142929.2, NM_001142934.2, NM_020984.4 and 2 more transcripts); c.1436G>A, p.Arg479Gln (NM_001142933.2); short protein forms R443Q, R561Q, R479Q.
Identifiers: ClinVar variation 128721 (VCV000128721.36), dbSNP rs80097077, ClinGen allele CA152346.